The following is an entry in ClinVar:

NM_001290043.2(TAP2):c.220C>G (p.Pro74Ala)

Gene: TAP2 (transporter 2, ATP binding cassette subfamily B member; minus strand). Cytogenetic location: 6p21.32.
Variant type: single nucleotide variant.
Coding change: c.220C>G on transcript NM_001290043.2 (MANE Select); coding-DNA position 220, C replaced by G.
Protein change: p.Pro74Ala; replaces proline 74 with alanine.
Molecular consequence: missense variant.
Genome position (GRCh38, 1-based): chr6:32,838,014, G>C on the plus strand (C>G on the coding strand, the complement: TAP2 is on the minus strand). VCF-style: chr6-32838014-G-C. GRCh37 (hg19) VCF-style: chr6-32805791-G-C.
Other names: c.220C>G, p.Pro74Ala (NM_000544.3, NM_018833.3); short protein forms P74A.
Identifiers: ClinVar variation 1028335 (VCV001028335.1), dbSNP rs1054846360, ClinGen allele CA363586986.

ClinVar aggregate classification (germline): Uncertain significance (1 of 4 stars; one submission).

Conditions:
MHC class I deficiency. Identifiers: Orphanet 34592, MedGen C6024714, MONDO:0011476.

Submission:

Baylor Genetics
Classification: Uncertain significance for MHC class I deficiency 1. Last evaluated: 2019-10-31. Review status: criteria provided, single submitter. Criteria: ACMG Guidelines, 2015. Collection method: clinical testing. Allele origin: unknown. Affected: yes.
Comment: This variant was determined to be of uncertain significance according to ACMG Guidelines, 2015 [PMID:25741868].